The following is an entry in ClinVar:

NM_000059.4(BRCA2):c.745T>G (p.Ser249Ala)

Gene: BRCA2 (BRCA2 DNA repair associated; plus strand). Cytogenetic location: 13q13.1.
Variant type: single nucleotide variant.
Coding change: c.745T>G on transcript NM_000059.4 (MANE Select); coding-DNA position 745, T replaced by G.
Protein change: p.Ser249Ala; replaces serine 249 with alanine.
Molecular consequence: missense variant. On other transcripts: non-coding transcript variant (1).
Genome position (GRCh38, 1-based): chr13:32,330,982, T>G. VCF-style: chr13-32330982-T-G. GRCh37 (hg19) VCF-style: chr13-32905119-T-G.
Other names: c.745T>G, p.Ser249Ala (NM_001406719.1, NM_001406720.1, NM_001406721.1); c.376T>G, p.Ser126Ala (NM_001406722.1); short protein forms S249A, S126A.
Identifiers: ClinVar variation 2811905 (VCV002811905.4), dbSNP rs2072386415, ClinGen allele CA387760077.
Genomic context (GRCh38, chr13:32,330,982, plus strand): 5'-GTGAAAAGCTATTTTTCCAATCATGATGAAAGTCTGAAGAAAAATGATAGATTTATCGCT[T>G]CTGTGACAGACAGTGAAAACACAAATCAAAGAGAAGCTGCAAGTCATGGTAAGTCCTCTG-3'
Protein context (NP_000050.3, residues 239-259): SLKKNDRFIA[Ser249Ala]VTDSENTNQR

ClinVar aggregate classification (germline): Uncertain significance. Review status: criteria provided, multiple submitters, no conflicts (2 of 4 stars). 2 submissions from 2 submitters: Uncertain significance (2). Last evaluated 2024-04-22.

Conditions:
Hereditary breast ovarian cancer syndrome. Also called: Hereditary breast and ovarian cancer; Hereditary breast and ovarian cancer syndrome; Breast and ovarian cancer; BRCA1- and BRCA2-Associated Hereditary Breast and Ovarian Cancer; Hereditary breast and ovarian cancer syndrome (HBOC); Hereditary breast and/or ovarian cancer syndrome. Identifiers: Orphanet 145, MedGen C0677776, MeSH D061325, MONDO:0003582. Disease mechanism: loss of function.
Hereditary cancer-predisposing syndrome. Also called: Tumor predisposition; Hereditary Cancer Syndrome; Hereditary neoplastic syndrome; Neoplastic Syndromes, Hereditary. Identifiers: Orphanet 140162, MedGen C0027672, MeSH D009386, MONDO:0015356.

Allele frequency attached by ClinVar (database versions not stated): gnomAD exomes below 0.00001.
gnomAD v4.1: 1 of 1,613,864 alleles (0.000062%); highest among the groups gnomAD compares: Non-Finnish European, 0.000085%; no homozygotes.

Submissions (2):

Ambry Genetics
Classification: Uncertain significance for Hereditary cancer-predisposing syndrome. Last evaluated: 2024-04-22. Review status: criteria provided, single submitter. Criteria: Ambry Variant Classification Scheme 2023. Collection method: clinical testing. Allele origin: germline.
Comment: The p.S249A variant (also known as c.745T>G), located in coding exon 8 of the BRCA2 gene, results from a T to G substitution at nucleotide position 745. The serine at codon 249 is replaced by alanine, an amino acid with similar properties. This amino acid position is conserved. In addition, this alteration is predicted to be tolerated by in silico analysis. Based on the available evidence, the clinical significance of this variant remains unclear.

Labcorp Genetics (formerly Invitae), Labcorp
Classification: Uncertain significance for Hereditary breast ovarian cancer syndrome. Last evaluated: 2022-11-04. Review status: criteria provided, single submitter. Criteria: Invitae Variant Classification Sherloc (09022015). Collection method: clinical testing. Allele origin: germline.
Comment: This sequence change replaces serine, which is neutral and polar, with alanine, which is neutral and non-polar, at codon 249 of the BRCA2 protein (p.Ser249Ala). In summary, the available evidence is currently insufficient to determine the role of this variant in disease. Therefore, it has been classified as a Variant of Uncertain Significance. This variant is not present in population databases (gnomAD no frequency). This variant has not been reported in the literature in individuals affected with BRCA2-related conditions. Advanced modeling of protein sequence and biophysical properties (such as structural, functional, and spatial information, amino acid conservation, physicochemical variation, residue mobility, and thermodynamic stability) performed at Invitae indicates that this missense variant is not expected to disrupt BRCA2 protein function.